The following is an entry in ClinVar:

NM_002076.4(GNS):c.1448C>A (p.Ala483Glu)

Gene: GNS (glucosamine (N-acetyl)-6-sulfatase; minus strand). Cytogenetic location: 12q14.3.
Variant type: single nucleotide variant.
Coding change: c.1448C>A on transcript NM_002076.4 (MANE Select); coding-DNA position 1448, C replaced by A.
Protein change: p.Ala483Glu; replaces alanine 483 with glutamic acid.
Molecular consequence: missense variant.
Genome position (GRCh38, 1-based): chr12:64,720,154, G>T on the plus strand (C>A on the coding strand, the complement: GNS is on the minus strand). VCF-style: chr12-64720154-G-T. GRCh37 (hg19) VCF-style: chr12-65113934-G-T.
Other names: short protein forms A483E.
Identifiers: ClinVar variation 1063902 (VCV001063902.9), dbSNP rs1163229693, ClinGen allele CA385601095.

ClinVar aggregate classification (germline): Uncertain significance (1 of 4 stars; one submission).

Conditions:
Mucopolysaccharidosis, MPS-III-D (MPS3D). Also called: MPS IIID (Sanfilippo Syndrome Type D); MUCOPOLYSACCHARIDOSIS, TYPE IIID; N-ACETYLGLUCOSAMINE-6-SULFATASE DEFICIENCY; SANFILIPPO SYNDROME D; MPS III D; Mucopoly-saccharidosis type 3D. Identifiers: Orphanet 581, Orphanet 79272, MedGen C0086650, MONDO:0009658, OMIM 252940.

Allele frequency attached by ClinVar (database versions not stated): gnomAD exomes below 0.00001.
gnomAD v4.1: 1 of 1,604,202 alleles (0.000062%); highest among the groups gnomAD compares: Admixed American, 0.0017%; no homozygotes.

Submission:

Labcorp Genetics (formerly Invitae), Labcorp
Classification: Uncertain significance for Mucopolysaccharidosis, MPS-III-D. Last evaluated: 2024-10-23. Review status: criteria provided, single submitter. Criteria: Invitae Variant Classification Sherloc (09022015). Collection method: clinical testing. Allele origin: germline.
Comment: This sequence change replaces alanine, which is neutral and non-polar, with glutamic acid, which is acidic and polar, at codon 483 of the GNS protein (p.Ala483Glu). This variant is present in population databases (no rsID available, gnomAD 0.003%). This variant has not been reported in the literature in individuals affected with GNS-related conditions. ClinVar contains an entry for this variant (Variation ID: 1063902). Invitae Evidence Modeling of protein sequence and biophysical properties (such as structural, functional, and spatial information, amino acid conservation, physicochemical variation, residue mobility, and thermodynamic stability) indicates that this missense variant is not expected to disrupt GNS protein function with a negative predictive value of 80%. In summary, the available evidence is currently insufficient to determine the role of this variant in disease. Therefore, it has been classified as a Variant of Uncertain Significance.